The following is an entry in ClinVar:

NM_001127208.3(TET2):c.3755_3765dup (p.Gly1256Ter)

Genes: TET2 (tet methylcytosine dioxygenase 2; plus strand), TET2-AS1 (TET2 antisense RNA 1; minus strand). Cytogenetic location: 4q24.
Variant type: Duplication.
Coding change: c.3755_3765dup on transcript NM_001127208.3 (MANE Select); coding-DNA positions 3755 to 3765, 11 bases duplicated (TGAGGAAATAC).
Protein change: p.Gly1256Ter; replaces glycine 1256 with a stop codon.
Molecular consequence: nonsense.
Genome position (GRCh38, 1-based): chr4:105,243,730-105,243,740, TGAGGAAATAC duplicated; duplicating any 11 consecutive bases within chr4:105,243,729-105,243,740 gives the same sequence; the c. name uses the placement nearest the transcript's 3' end. VCF-style (leftmost placement, unchanged base first): chr4-105243728-G-GCTGAGGAAATA. GRCh37 (hg19) VCF-style: chr4-106164885-G-GCTGAGGAAATA.
Other names: short protein forms G1256*.
Identifiers: ClinVar variation 3376142 (VCV003376142.3).

ClinVar aggregate classification (germline): Pathogenic (1 of 4 stars; one submission).

Conditions:
Immunodeficiency 75. Also called: IMMUNODEFICIENCY 75 WITH LYMPHOPROLIFERATION. Identifiers: Orphanet 664729, MedGen C5436860, MONDO:0030858, OMIM 619126.

Submission:

Institute of Human Genetics, University of Leipzig Medical Center
Classification: Pathogenic for Immunodeficiency 75. Last evaluated: 2024-11-01. Review status: criteria provided, single submitter. Criteria: ACMG Guidelines, 2015. Collection method: clinical testing. Allele origin: unknown. Inheritance: Autosomal recessive inheritance. Affected: yes.
Comment: Criteria applied: PVS1,PM2; Identified as compound heterozygous with NM_001127208.3:c.2518del